The following is an entry in ClinVar:

ClinVar aggregate classification (germline): Uncertain significance. Review status: criteria provided, multiple submitters, no conflicts (2 of 4 stars). 2 submissions from 2 submitters: Uncertain significance (2). Last evaluated 2025-02-13.

Conditions:
Congenital myasthenic syndrome 10. Also called: Myasthenia, limb-girdle, familial. Identifiers: Orphanet 590, MedGen C1850792, MONDO:0009690, OMIM 254300.
Fetal akinesia deformation sequence 1 (FADS1). Also called: Fetal akinesia sequence; Pena-Shokeir syndrome type I. Identifiers: Orphanet 994, MedGen C1276035, MONDO:0100101, OMIM 208150, HP:0001989.
Inborn genetic diseases. Identifiers: MedGen C0950123, MeSH D030342.

Allele frequency attached by ClinVar (database versions not stated): gnomAD exomes below 0.00001; TOPMed 0.00002; gnomAD 0.00003.
gnomAD v4.1: 10 of 1,611,200 alleles (0.00062%); highest among the groups gnomAD compares: Middle Eastern, 0.017%; no homozygotes.

Submissions (2):

Ambry Genetics
Classification: Uncertain significance for Inborn genetic diseases. Last evaluated: 2025-02-13. Review status: criteria provided, single submitter. Criteria: Ambry Variant Classification Scheme 2023. Collection method: clinical testing. Allele origin: germline.

Labcorp Genetics (formerly Invitae), Labcorp
Classification: Uncertain significance for Congenital myasthenic syndrome 10; Fetal akinesia deformation sequence 1. Last evaluated: 2022-06-27. Review status: criteria provided, single submitter. Criteria: Invitae Variant Classification Sherloc (09022015). Collection method: clinical testing. Allele origin: germline.
Comment: This sequence change replaces lysine, which is basic and polar, with arginine, which is basic and polar, at codon 499 of the DOK7 protein (p.Lys499Arg). The frequency data for this variant in the population databases is considered unreliable, as metrics indicate poor data quality at this position in the gnomAD database. This variant has not been reported in the literature in individuals affected with DOK7-related conditions. Algorithms developed to predict the effect of missense changes on protein structure and function are either unavailable or do not agree on the potential impact of this missense change (SIFT: "Deleterious"; PolyPhen-2: "Probably Damaging"; Align-GVGD: "Class C0"). In summary, the available evidence is currently insufficient to determine the role of this variant in disease. Therefore, it has been classified as a Variant of Uncertain Significance.

NM_173660.5(DOK7):c.1496A>G (p.Lys499Arg)

Gene: DOK7 (docking protein 7; plus strand). Cytogenetic location: 4p16.3.
Variant type: single nucleotide variant.
Coding change: c.1496A>G on transcript NM_173660.5 (MANE Select); coding-DNA position 1496, A replaced by G.
Protein change: p.Lys499Arg; replaces lysine 499 with arginine.
Molecular consequence: missense variant. On other transcripts: 3 prime UTR variant (1).
Genome position (GRCh38, 1-based): chr4:3,493,482, A>G. VCF-style: chr4-3493482-A-G. GRCh37 (hg19) VCF-style: chr4-3495209-A-G.
Other names: c.*717A>G (NM_001164673.2); c.566A>G, p.Lys189Arg (NM_001256896.2); c.1496A>G, p.Lys499Arg (NM_001301071.2); c.1064A>G, p.Lys355Arg (NM_001363811.2); c.1496A>G (NM_173660.4); short protein forms K499R, K189R, K355R.
Identifiers: ClinVar variation 1488726 (VCV001488726.6), dbSNP rs865879271, ClinGen allele CA91557797.
Genomic context (GRCh38, chr4:3,493,482, plus strand): 5'-GCCCCCACGCGGGGCCACCCCCGGCTTTCTTTTCGGCATGTCCAGTCTGTGGAGGACTCA[A>G]GGTAAACCCCCCTCCTTGAGAGCCGCAGATCCCGCCCCGCGGCTGCAAAGGGGCTGAATT-3'
Protein context (NP_775931.3, residues 489-504): FSACPVCGGL[Lys499Arg]VNPPP